The following is an entry in ClinVar:

ClinVar aggregate classification (germline): Uncertain significance (0 of 4 stars; one submission).

Conditions:
IFT172-related disorder. Also called: IFT172-related condition; IFT172-related disorders.

gnomAD v4.1: 1 of 1,614,168 alleles (0.000062%); highest among the groups gnomAD compares: Non-Finnish European, 0.000085%; no homozygotes.

Submission:

PreventionGenetics, part of Exact Sciences
Classification: Uncertain significance for IFT172-related condition. Last evaluated: 2024-06-19. Review status: no assertion criteria provided. Collection method: clinical testing. Allele origin: germline.
Comment: The IFT172 c.4292T>C variant is predicted to result in the amino acid substitution p.Ile1431Thr. To our knowledge, this variant has not been reported in the literature or in a large population database, indicating this variant is rare. At this time, the clinical significance of this variant is uncertain due to the absence of conclusive functional and genetic evidence.

NM_015662.3(IFT172):c.4292T>C (p.Ile1431Thr)

Gene: IFT172 (intraflagellar transport 172; minus strand). Cytogenetic location: 2p23.3.
Variant type: single nucleotide variant.
Coding change: c.4292T>C on transcript NM_015662.3 (MANE Select); coding-DNA position 4292, T replaced by C.
Protein change: p.Ile1431Thr; replaces isoleucine 1431 with threonine.
Molecular consequence: missense variant.
Genome position (GRCh38, 1-based): chr2:27,449,313, A>G on the plus strand (T>C on the coding strand, the complement: IFT172 is on the minus strand). VCF-style: chr2-27449313-A-G. GRCh37 (hg19) VCF-style: chr2-27672180-A-G.
Other names: c.4226T>C, p.Ile1409Thr (NM_001410739.1); short protein forms I1409T, I1431T.
Identifiers: ClinVar variation 3345363 (VCV003345363.1).